The following is an entry in ClinVar:

NM_001368397.1(FRMPD4):c.561del (p.Asn187fs)

Gene: FRMPD4 (FERM and PDZ domain containing 4; plus strand). Cytogenetic location: Xp22.2.
Variant type: Deletion.
Coding change: c.561del on transcript NM_001368397.1 (MANE Select); coding-DNA position 561, one base deleted (C; older notation c.561delC).
Protein change: p.Asn187fs; shifts the reading frame from asparagine 187.
Molecular consequence: frameshift variant.
Genome position (GRCh38, 1-based): chrX:12,683,575, C deleted. VCF-style (leftmost placement, unchanged base first): chrX-12683574-AC-A. GRCh37 (hg19) VCF-style: chrX-12701693-AC-A.
Other names: c.672del, p.Asn224fs (NM_001368395.3, NM_001368398.3); c.567del, p.Asn189fs (NM_001368396.3); c.552del, p.Asn184fs (NM_001368399.3); c.441del, p.Asn147fs (NM_001368400.3); c.537del, p.Asn179fs (NM_001368401.1, NM_001368402.3); c.561del, p.Asn187fs (NM_014728.3); short protein forms N147fs, N179fs, N184fs, N187fs, N189fs, N224fs.
Identifiers: ClinVar variation 1709267 (VCV001709267.2), dbSNP rs2519751886, ClinGen allele CA2573332044.
Genomic context (GRCh38, chrX:12,683,574, plus strand): 5'-AAAAGGCAAGATTAAAGTCCAATCCTGTCAAAGTACGCTTCTCTGAGGAGGTCATCATCA[AC>A]GGCCAAGTGTCGGTGAGTTTACAGTCACCTGCTTTGTGACTCAGGGAGAGTCAATGAGGC-3'

ClinVar aggregate classification (germline): Likely pathogenic (1 of 4 stars; one submission).

Conditions:
Intellectual developmental disorder, X-linked 104. Also called: Intellectual disability, X-linked 104. Identifiers: MedGen C4310817, MONDO:0010509, OMIM 300983.

Submission:

MGZ Medical Genetics Center
Classification: Likely pathogenic for Intellectual developmental disorder, X-linked 104. Last evaluated: 2022-03-22. Review status: criteria provided, single submitter. Criteria: ACMG Guidelines, 2015. Collection method: clinical testing. Allele origin: germline. Affected: yes. Observed: 1 variant allele.
Comment: ACMG criteria applied: PVS1, PM2_SUP